The following is an entry in ClinVar:

NM_198253.3(TERT):c.1372C>A (p.Pro458Thr)

Gene: TERT (telomerase reverse transcriptase; minus strand). Cytogenetic location: 5p15.33.
Variant type: single nucleotide variant.
Coding change: c.1372C>A on transcript NM_198253.3 (MANE Select); coding-DNA position 1372, C replaced by A.
Protein change: p.Pro458Thr; replaces proline 458 with threonine.
Molecular consequence: missense variant. On other transcripts: non-coding transcript variant (2).
Genome position (GRCh38, 1-based): chr5:1,293,514, G>T on the plus strand (C>A on the coding strand, the complement: TERT is on the minus strand). VCF-style: chr5-1293514-G-T. GRCh37 (hg19) VCF-style: chr5-1293629-G-T.
Other names: c.1372C>A, p.Pro458Thr (NM_001193376.3); short protein forms P458T.
Identifiers: ClinVar variation 655409 (VCV000655409.9), dbSNP rs1579596485, ClinGen allele CA359085956.
Genomic context (GRCh38, chr5:1,293,514, plus strand): 5'-AGAGGCCTGGGGGCACCAGCCGGCGCAGGCAGGCCCGCACGAAGCCGTACACCTGCCAGG[G>T]GCTGCTGTGCTGGCGGAGCAGCTGCACCAGGCGACGGGGGTCTGTGTCCTCCTCCTCGGG-3'
Protein context (NP_937983.2, residues 448-468): LVQLLRQHSS[Pro458Thr]WQVYGFVRAC

ClinVar aggregate classification (germline): Uncertain significance. Review status: criteria provided, multiple submitters, no conflicts (2 of 4 stars). 3 submissions from 3 submitters: Uncertain significance (3). Last evaluated 2025-09-30.

Conditions:
Dyskeratosis congenita. Identifiers: Orphanet 1775, MedGen C0265965, MONDO:0015780.
Idiopathic Pulmonary Fibrosis. Also called: Idiopathic fibrosing alveolitis, chronic form; idiopathic fibrosing alveolitis. Identifiers: Orphanet 2032, MedGen C1800706, MeSH D054990, MONDO:0800504.
Dyskeratosis congenita, autosomal dominant 2. Identifiers: MedGen C3151443, MONDO:0013521, OMIM 613989.

gnomAD v4.1: 1 of 1,571,510 alleles (0.000064%); no homozygotes.

Submissions (3):

Dasa
Classification: Uncertain significance. Last evaluated: 2025-09-30. Review status: criteria provided, single submitter. Criteria: DASA Assertion Criteria. Collection method: clinical testing. Allele origin: germline.
Comment: NM_198253.3(TERT):c.1372C>A (p.Pro458Thr) is a missense variant that results in the substitution of proline with threonine. This variant is rare in population databases. The currently available literature and clinical evidence are not sufficient to establish a definitive association between this variant and the reported condition. Therefore, this variant is classified as a variant of uncertain significance.

Ambry Genetics
Classification: Uncertain significance for Dyskeratosis congenita. Last evaluated: 2025-01-11. Review status: criteria provided, single submitter. Criteria: Ambry Variant Classification Scheme 2023. Collection method: clinical testing. Allele origin: germline.
Comment: The p.P458T variant (also known as c.1372C>A), located in coding exon 2 of the TERT gene, results from a C to A substitution at nucleotide position 1372. The proline at codon 458 is replaced by threonine, an amino acid with highly similar properties. This amino acid position is conserved. In addition, the in silico prediction for this alteration is inconclusive. Based on the available evidence, the clinical significance of this variant remains unclear.

Labcorp Genetics (formerly Invitae), Labcorp
Classification: Uncertain significance for Dyskeratosis congenita, autosomal dominant 2; Idiopathic Pulmonary Fibrosis. Last evaluated: 2021-09-02. Review status: criteria provided, single submitter. Criteria: Invitae Variant Classification Sherloc (09022015). Collection method: clinical testing. Allele origin: germline.
Comment: This sequence change replaces proline with threonine at codon 458 of the TERT protein (p.Pro458Thr). The proline residue is moderately conserved and there is a small physicochemical difference between proline and threonine. This variant is not present in population databases (ExAC no frequency). This variant has not been reported in the literature in individuals affected with TERT-related conditions. Algorithms developed to predict the effect of missense changes on protein structure and function output the following: SIFT: "Tolerated"; PolyPhen-2: "Benign"; Align-GVGD: "Class C0". The threonine amino acid residue is found in multiple mammalian species, which suggests that this missense change does not adversely affect protein function. In summary, the available evidence is currently insufficient to determine the role of this variant in disease. Therefore, it has been classified as a Variant of Uncertain Significance.